The following is an entry in ClinVar:

ClinVar aggregate classification (germline): Uncertain significance. Review status: criteria provided, multiple submitters, no conflicts (2 of 4 stars). 2 submissions from 2 submitters: Uncertain significance (2). Last evaluated 2025-11-30.

Conditions:
Inborn genetic diseases. Identifiers: MedGen C0950123, MeSH D030342.
Mosaic variegated aneuploidy syndrome 2 (MVA2). Identifiers: Orphanet 1052, MedGen C3279843, MONDO:0013582, OMIM 614114.

gnomAD v4.1: 2 of 1,614,060 alleles (0.00012%); highest among the groups gnomAD compares: African/African-American, 0.0013%; no homozygotes.

Submissions (2):

Labcorp Genetics (formerly Invitae), Labcorp
Classification: Uncertain significance for Mosaic variegated aneuploidy syndrome 2. Last evaluated: 2025-11-30. Review status: criteria provided, single submitter. Criteria: Invitae Variant Classification Sherloc (09022015). Collection method: clinical testing. Allele origin: germline.
Comment: This sequence change replaces serine, which is neutral and polar, with phenylalanine, which is neutral and non-polar, at codon 352 of the CEP57 protein (p.Ser352Phe). This variant is not present in population databases (gnomAD no frequency). This variant has not been reported in the literature in individuals affected with CEP57-related conditions. ClinVar contains an entry for this variant (Variation ID: 3490858). Invitae Evidence Modeling of protein sequence and biophysical properties (such as structural, functional, and spatial information, amino acid conservation, physicochemical variation, residue mobility, and thermodynamic stability) indicates that this missense variant is not expected to disrupt CEP57 protein function with a negative predictive value of 80%. In summary, the available evidence is currently insufficient to determine the role of this variant in disease. Therefore, it has been classified as a Variant of Uncertain Significance.

Ambry Genetics
Classification: Uncertain significance for Inborn genetic diseases. Last evaluated: 2025-09-26. Review status: criteria provided, single submitter. Criteria: Ambry Variant Classification Scheme 2023. Collection method: clinical testing. Allele origin: germline.

NM_014679.5(CEP57):c.1055C>T (p.Ser352Phe)

Gene: CEP57 (centrosomal protein 57; plus strand). Cytogenetic location: 11q21.
Variant type: single nucleotide variant.
Coding change: c.1055C>T on transcript NM_014679.5 (MANE Select); coding-DNA position 1055, C replaced by T.
Protein change: p.Ser352Phe; replaces serine 352 with phenylalanine.
Molecular consequence: missense variant.
Genome position (GRCh38, 1-based): chr11:95,827,955, C>T. VCF-style: chr11-95827955-C-T. GRCh37 (hg19) VCF-style: chr11-95561119-C-T.
Other names: c.1028C>T, p.Ser343Phe (NM_001243776.2); c.977C>T, p.Ser326Phe (NM_001243777.2); c.974C>T, p.Ser325Phe (NM_001363604.2); short protein forms S343F, S352F, S325F, S326F.
Identifiers: ClinVar variation 3490858 (VCV003490858.3).